The following is an entry in ClinVar:

NM_000372.5(TYR):c.530T>C (p.Val177Ala)

Gene: TYR (tyrosinase; plus strand). Cytogenetic location: 11q14.3.
Variant type: single nucleotide variant.
Coding change: c.530T>C on transcript NM_000372.5 (MANE Select); coding-DNA position 530, T replaced by C.
Protein change: p.Val177Ala; replaces valine 177 with alanine.
Molecular consequence: missense variant.
Genome position (GRCh38, 1-based): chr11:89,178,483, T>C. VCF-style: chr11-89178483-T-C. GRCh37 (hg19) VCF-style: chr11-88911651-T-C.
Other names: short protein forms V177A.
Identifiers: ClinVar variation 1436405 (VCV001436405.5), dbSNP rs571810545, ClinGen allele CA6221131.

ClinVar aggregate classification (germline): Uncertain significance. Review status: criteria provided, multiple submitters, no conflicts (2 of 4 stars). 2 submissions from 2 submitters: Uncertain significance (2). Last evaluated 2023-11-27.

Allele frequency attached by ClinVar (database versions not stated): ExAC 0.00001; gnomAD 0.00001; TOPMed 0.00001; 1000 Genomes Project 0.00020; 1000 Genomes Project 30x 0.00031.
gnomAD v4.1: 1 of 1,614,222 alleles (0.000062%); highest among the groups gnomAD compares: Admixed American, 0.0017%; no homozygotes.

Submissions (2):

Labcorp Genetics (formerly Invitae), Labcorp
Classification: Uncertain significance. Last evaluated: 2023-11-27. Review status: criteria provided, single submitter. Criteria: Invitae Variant Classification Sherloc (09022015). Collection method: clinical testing. Allele origin: germline.
Comment: This sequence change replaces valine, which is neutral and non-polar, with alanine, which is neutral and non-polar, at codon 177 of the TYR protein (p.Val177Ala). This variant is present in population databases (rs571810545, gnomAD 0.003%). This variant has not been reported in the literature in individuals affected with TYR-related conditions. ClinVar contains an entry for this variant (Variation ID: 1436405). Advanced modeling of protein sequence and biophysical properties (such as structural, functional, and spatial information, amino acid conservation, physicochemical variation, residue mobility, and thermodynamic stability) performed at Invitae indicates that this missense variant is not expected to disrupt TYR protein function with a negative predictive value of 80%. This variant disrupts the p.Val177 amino acid residue in TYR. Other variant(s) that disrupt this residue have been observed in individuals with TYR-related conditions (PMID: 27734839, 31229681), which suggests that this may be a clinically significant amino acid residue. In summary, the available evidence is currently insufficient to determine the role of this variant in disease. Therefore, it has been classified as a Variant of Uncertain Significance.

Breakthrough Genomics
Classification: Uncertain significance. Review status: criteria provided, single submitter. Criteria: ACMG Guidelines, 2015. Collection method: not provided. Allele origin: germline. Inheritance: Autosomal recessive inheritance. Affected: yes.

Literature cited by the submitters: PubMed 27734839 (cited by Labcorp Genetics (formerly Invitae), Labcorp); PubMed 31229681 (cited by Labcorp Genetics (formerly Invitae), Labcorp).